The following is an entry in ClinVar:

NM_005199.5(CHRNG):c.928A>T (p.Thr310Ser)

Gene: CHRNG (cholinergic receptor nicotinic gamma subunit; plus strand). Cytogenetic location: 2q37.1.
Variant type: single nucleotide variant.
Coding change: c.928A>T on transcript NM_005199.5 (MANE Select); coding-DNA position 928, A replaced by T.
Protein change: p.Thr310Ser; replaces threonine 310 with serine.
Molecular consequence: missense variant.
Genome position (GRCh38, 1-based): chr2:232,543,592, A>T. VCF-style: chr2-232543592-A-T. GRCh37 (hg19) VCF-style: chr2-233408302-A-T.
Other names: short protein forms T310S.
Identifiers: ClinVar variation 335007 (VCV000335007.13), dbSNP rs145830034, ClinGen allele CA2168866.

ClinVar aggregate classification (germline): Conflicting classifications of pathogenicity. Review status: criteria provided, conflicting classifications (1 of 4 stars). 6 submissions from 5 submitters: Uncertain significance (4); Likely benign (1). 1 of the submissions does not count toward it. Last evaluated 2025-12-29.

Conditions:
CHRNG-related disorder. Also called: CHRNG-related disorders; CHRNG-related condition.
Inborn genetic diseases. Identifiers: MedGen C0950123, MeSH D030342.
Autosomal recessive multiple pterygium syndrome. Also called: MULTIPLE PTERYGIUM SYNDROME, ESCOBAR VARIANT; PTERYGIUM COLLI SYNDROME; PTERYGIUM SYNDROME; PTERYGIUM UNIVERSALE. Identifiers: Orphanet 2990, MedGen C0265261, MONDO:0009926, OMIM 265000.
Lethal multiple pterygium syndrome (LMPS). Identifiers: Orphanet 33108, MedGen C1854678, MONDO:0009668, OMIM 253290.

Allele frequency attached by ClinVar (database versions not stated): 1000 Genomes Project 0.00060; 1000 Genomes Project 30x 0.00062; TOPMed 0.00065; gnomAD 0.00070 and 0.00077.
gnomAD v4.1: 191 of 1,608,050 alleles (0.012%); highest among the groups gnomAD compares: African/African-American, 0.23%; no homozygotes.

Submissions (6):

Labcorp Genetics (formerly Invitae), Labcorp
Classification: Likely benign. Last evaluated: 2025-12-29. Review status: criteria provided, single submitter. Criteria: Invitae Variant Classification Sherloc (09022015). Collection method: clinical testing. Allele origin: germline.

GeneDx
Classification: Uncertain significance. Last evaluated: 2023-03-08. Review status: criteria provided, single submitter. Criteria: GeneDx Variant Classification Process June 2021. Collection method: clinical testing. Allele origin: germline. Affected: yes.
Comment: In silico analysis supports that this missense variant does not alter protein structure/function; Has not been previously published as pathogenic or benign to our knowledge

Ambry Genetics
Classification: Uncertain significance for Inborn genetic diseases. Last evaluated: 2021-08-10. Review status: criteria provided, single submitter. Criteria: Ambry Variant Classification Scheme 2023. Collection method: clinical testing. Allele origin: germline.

Illumina Laboratory Services, Illumina
Classification: Uncertain significance for Lethal multiple pterygium syndrome. Last evaluated: 2018-01-13. Review status: criteria provided, single submitter. Criteria: ICSL Variant Classification Criteria 13 December 2019. Collection method: clinical testing. Allele origin: germline.

Illumina Laboratory Services, Illumina
Classification: Uncertain significance for Autosomal recessive multiple pterygium syndrome. Last evaluated: 2018-01-13. Review status: criteria provided, single submitter. Criteria: ICSL Variant Classification Criteria 13 December 2019. Collection method: clinical testing. Allele origin: germline.

PreventionGenetics, part of Exact Sciences
Classification: Likely benign for CHRNG-related condition. Last evaluated: 2022-11-23. Review status: no assertion criteria provided. Collection method: clinical testing. Allele origin: germline. Not counted in ClinVar's aggregate classification.
Comment: This variant is classified as likely benign based on ACMG/AMP sequence variant interpretation guidelines (Richards et al. 2015 PMID: 25741868, with internal and published modifications).